The following is an entry in ClinVar:

ClinVar aggregate classification (germline): Uncertain significance. Review status: criteria provided, multiple submitters, no conflicts (2 of 4 stars). 2 submissions from 2 submitters: Uncertain significance (2). Last evaluated 2024-06-15.

Conditions:
Asphyxiating thoracic dystrophy 5 (SRTD5). Also called: SHORT-RIB THORACIC DYSPLASIA 5 WITH OR WITHOUT POLYDACTYLY; SHORT-RIB THORACIC DYSPLASIA 5 WITHOUT POLYDACTYLY. Identifiers: Orphanet 474, MedGen C3280598, MONDO:0013717, OMIM 614376.
Senior-Loken syndrome 8 (SLSN8). Identifiers: Orphanet 3156, MedGen C4225376, MONDO:0014579, OMIM 616307.

gnomAD v4.1: 1 of 1,613,926 alleles (0.000062%); no homozygotes.

Submissions (2):

Labcorp Genetics (formerly Invitae), Labcorp
Classification: Uncertain significance for Senior-Loken syndrome 8; Asphyxiating thoracic dystrophy 5. Last evaluated: 2024-06-15. Review status: criteria provided, single submitter. Criteria: Invitae Variant Classification Sherloc (09022015). Collection method: clinical testing. Allele origin: germline.
Comment: This sequence change replaces isoleucine, which is neutral and non-polar, with leucine, which is neutral and non-polar, at codon 822 of the WDR19 protein (p.Ile822Leu). This variant is not present in population databases (gnomAD no frequency). This variant has not been reported in the literature in individuals affected with WDR19-related conditions. Advanced modeling of protein sequence and biophysical properties (such as structural, functional, and spatial information, amino acid conservation, physicochemical variation, residue mobility, and thermodynamic stability) performed at Invitae indicates that this missense variant is not expected to disrupt WDR19 protein function with a negative predictive value of 80%. In summary, the available evidence is currently insufficient to determine the role of this variant in disease. Therefore, it has been classified as a Variant of Uncertain Significance.

Blueprint Genetics
Classification: Uncertain significance. Last evaluated: 2023-03-08. Review status: criteria provided, single submitter. Criteria: ACMG Guidelines, 2015. Collection method: clinical testing. Allele origin: germline.

NM_025132.4(WDR19):c.2464A>T (p.Ile822Leu)

Gene: WDR19 (WD repeat domain 19; plus strand). Cytogenetic location: 4p14.
Variant type: single nucleotide variant.
Coding change: c.2464A>T on transcript NM_025132.4 (MANE Select); coding-DNA position 2464, A replaced by T.
Protein change: p.Ile822Leu; replaces isoleucine 822 with leucine.
Molecular consequence: missense variant.
Genome position (GRCh38, 1-based): chr4:39,244,290, A>T. VCF-style: chr4-39244290-A-T. GRCh37 (hg19) VCF-style: chr4-39245910-A-T.
Other names: c.1984A>T, p.Ile662Leu (NM_001317924.2); short protein forms I662L, I822L.
Identifiers: ClinVar variation 3748130 (VCV003748130.3).